The following is an entry in ClinVar:

ClinVar aggregate classification (germline): Uncertain significance (1 of 4 stars; one submission).

Conditions:
Microcornea-myopic chorioretinal atrophy. Also called: Microcornea, myopic chorioretinal atrophy, and telecanthus. Identifiers: Orphanet 369970, MedGen C3809567, MONDO:0014195, OMIM 615458.

Submission:

Laboratorio de Genetica e Diagnostico Molecular, Hospital Israelita Albert Einstein
Classification: Uncertain significance for Microcornea-myopic chorioretinal atrophy. Last evaluated: 2022-06-10. Review status: criteria provided, single submitter. Criteria: ACMG Guidelines, 2015. Collection method: clinical testing. Allele origin: germline. Affected: yes.
Comment: ACMG classification criteria: PM2 moderated

NM_199355.4(ADAMTS18):c.1455C>A (p.Phe485Leu)

Gene: ADAMTS18 (ADAM metallopeptidase with thrombospondin type 1 motif 18; minus strand). Cytogenetic location: 16q23.1.
Variant type: single nucleotide variant.
Coding change: c.1455C>A on transcript NM_199355.4 (MANE Select); coding-DNA position 1455, C replaced by A.
Protein change: p.Phe485Leu; replaces phenylalanine 485 with leucine.
Molecular consequence: missense variant.
Genome position (GRCh38, 1-based): chr16:77,355,945, G>T on the plus strand (C>A on the coding strand, the complement: ADAMTS18 is on the minus strand). VCF-style: chr16-77355945-G-T. GRCh37 (hg19) VCF-style: chr16-77389842-G-T.
Other names: c.939C>A, p.Phe313Leu (NM_001326358.2); short protein forms F313L, F485L.
Identifiers: ClinVar variation 2431465 (VCV002431465.2), dbSNP rs747680539, ClinGen allele CA396834703.
Genomic context (GRCh38, chr16:77,355,945, plus strand): 5'-ACAATTCTGTCATCACTCCAAACCTAGGAGCACCCCAGGATTTAACCTGTCATACCTGAG[G>T]AATTTCTTGAGATACTGGCGGCTGCAGGAAGACCATGAAAACACTCCATTGTTTCCGGTC-3'
Protein context (NP_955387.1, residues 475-495): SSCSRQYLKK[Phe485Leu]LSTPQAGCLV